The following is an entry in ClinVar:

ClinVar aggregate classification (germline): Uncertain significance (1 of 4 stars; one submission).

Submission:

Labcorp Genetics (formerly Invitae), Labcorp
Classification: Uncertain significance. Last evaluated: 2020-08-20. Review status: criteria provided, single submitter. Criteria: Invitae Variant Classification Sherloc (09022015). Collection method: clinical testing. Allele origin: germline.
Comment: In summary, the available evidence is currently insufficient to determine the role of this variant in disease. Therefore, it has been classified as a Variant of Uncertain Significance. Algorithms developed to predict the effect of sequence changes on RNA splicing suggest that this variant may disrupt the consensus splice site, but this prediction has not been confirmed by published transcriptional studies. This variant has not been reported in the literature in individuals with CAPN5-related conditions. This variant is not present in population databases (ExAC no frequency). This sequence change affects codon 430 of the CAPN5 mRNA. It is a 'silent' change, meaning that it does not change the encoded amino acid sequence of the CAPN5 protein.

NM_004055.5(CAPN5):c.1290G>A (p.Lys430=)

Gene: CAPN5 (calpain 5; plus strand). Cytogenetic location: 11q13.5.
Variant type: single nucleotide variant.
Coding change: c.1290G>A on transcript NM_004055.5 (MANE Select); coding-DNA position 1290, G replaced by A.
Protein change: p.Lys430=; no amino-acid change (lysine 430 retained).
Molecular consequence: synonymous variant.
Genome position (GRCh38, 1-based): chr11:77,119,152, G>A. VCF-style: chr11-77119152-G-A. GRCh37 (hg19) VCF-style: chr11-76830198-G-A.
Identifiers: ClinVar variation 1014933 (VCV001014933.8), dbSNP rs1950498145, ClinGen allele CA475792990.